The following is an entry in ClinVar:

ClinVar aggregate classification (germline): Conflicting classifications of pathogenicity. Review status: criteria provided, conflicting classifications (1 of 4 stars). 8 submissions from 8 submitters: Uncertain significance (2); Likely benign (6). Last evaluated 2026-01-27.

Conditions:
Walker-Warburg congenital muscular dystrophy. Also called: Muscular dystrophy-dystroglycanopathy, type A; Walker-Warburg syndrome. Identifiers: Orphanet 899, MedGen C0265221, MONDO:0000171.
Cardiovascular phenotype. Identifiers: MedGen CN230736.

Allele frequency attached by ClinVar (database versions not stated): ExAC below 0.00001; gnomAD exomes 0.00004 and 0.00017; TOPMed 0.00008; gnomAD 0.00011 and 0.00012.
gnomAD v4.1: 267 of 1,571,136 alleles (0.017%); highest among the groups gnomAD compares: Non-Finnish European, 0.021%; no homozygotes.

Submissions (8):

Labcorp Genetics (formerly Invitae), Labcorp
Classification: Likely benign for Walker-Warburg congenital muscular dystrophy. Last evaluated: 2026-01-27. Review status: criteria provided, single submitter. Criteria: Invitae Variant Classification Sherloc (09022015). Collection method: clinical testing. Allele origin: germline.

CeGaT Center for Human Genetics Tuebingen
Classification: Likely benign. Last evaluated: 2025-08-01. Review status: criteria provided, single submitter. Criteria: CeGaT Center For Human Genetics Tuebingen Variant Classification Criteria Version 2. Collection method: clinical testing. Allele origin: germline. Affected: yes. Observed: 3 variant alleles.
Comment: FKRP: BP4, BP7

Mayo Clinic Laboratories, Mayo Clinic
Classification: Likely benign. Last evaluated: 2025-04-18. Review status: criteria provided, single submitter. Criteria: ACMG Guidelines, 2015. Collection method: clinical testing. Allele origin: germline. Observed: 1 variant allele.
Comment: BP4, BP7

Blueprint Genetics
Classification: Likely benign. Last evaluated: 2024-06-25. Review status: criteria provided, single submitter. Criteria: ACMG Guidelines, 2015. Collection method: clinical testing. Allele origin: germline.

Ambry Genetics
Classification: Likely benign for Cardiovascular phenotype. Last evaluated: 2022-01-25. Review status: criteria provided, single submitter. Criteria: Ambry Variant Classification Scheme 2023. Collection method: clinical testing. Allele origin: germline.

GeneDx
Classification: Likely benign. Last evaluated: 2021-04-15. Review status: criteria provided, single submitter. Criteria: GeneDx Variant Classification Process June 2021. Collection method: clinical testing. Allele origin: germline. Affected: yes.

Genetic Services Laboratory, University of Chicago
Classification: Uncertain significance. Last evaluated: 2017-07-06. Review status: criteria provided, single submitter. Criteria: ACMG Guidelines, 2015. Collection method: clinical testing. Allele origin: germline. Affected: no.

Eurofins Ntd Llc (ga)
Classification: Uncertain significance. Last evaluated: 2015-04-30. Review status: criteria provided, single submitter. Criteria: EGL Classification Definitions 2015. Collection method: clinical testing. Allele origin: germline. Observed: 2 variant alleles, 2 heterozygotes.

NM_024301.5(FKRP):c.954C>T (p.Cys318=)

Gene: FKRP (fukutin related protein; plus strand). Cytogenetic location: 19q13.32.
Variant type: single nucleotide variant.
Coding change: c.954C>T on transcript NM_024301.5 (MANE Select); coding-DNA position 954, C replaced by T.
Protein change: p.Cys318=; no amino-acid change (cysteine 318 retained).
Molecular consequence: synonymous variant.
Genome position (GRCh38, 1-based): chr19:46,756,404, C>T. VCF-style: chr19-46756404-C-T. GRCh37 (hg19) VCF-style: chr19-47259661-C-T.
Other names: p.Cys318=; c.954C>T, p.Cys318= (NM_001039885.3).
Identifiers: ClinVar variation 197349 (VCV000197349.50), dbSNP rs755968761, ClinGen allele CA245440.
Genomic context (GRCh38, chr19:46,756,404, plus strand): 5'-AACCGTGGTGGGCGACACGCCCGCCTACCTCTACGAGGAGCGCTGGACGCCCCCCTGCTG[C>T]CTGCGCGCGCTGCGCGAGACCGCCCGCTATGTGGTGGGCGTGCTGGAGGCTGCGGGCGTG-3'
Protein context (NP_077277.1, residues 308-328): LYEERWTPPC[Cys318=]LRALRETARY